The following is an entry in ClinVar:

NM_001849.4(COL6A2):c.955-2del

Gene: COL6A2 (collagen type VI alpha 2 chain; plus strand). Cytogenetic location: 21q22.3.
Variant type: Deletion.
Coding change: c.955-2del on transcript NM_001849.4 (MANE Select); the canonical splice acceptor site of the intron before coding-DNA position 955, one base deleted (A; older notation c.955-2delA).
Molecular consequence: splice acceptor variant.
Genome position (GRCh38, 1-based): chr21:46,116,768, A deleted. VCF-style (leftmost placement, unchanged base first): chr21-46116767-CA-C. GRCh37 (hg19) VCF-style: chr21-47536681-CA-C.
Other names: c.955-2del (NM_058175.3, NM_058174.3).
Identifiers: ClinVar variation 962403 (VCV000962403.11), dbSNP rs2078477419, ClinGen allele CA1139666902.
Genomic context (GRCh38, chr21:46,116,767, plus strand): 5'-CTTCCTGCTGCTCAGGGCAGAAGGACCGGGGCTAATGGAGTTCCCTCTTCCTTCTCTCTT[CA>C]GGGGGCCCCTGGCCTGGCTGGCAAGAACGGGACCGATGGACAGAAGGTAGAGGGAGCCTC-3'

ClinVar aggregate classification (germline): Pathogenic. Review status: criteria provided, multiple submitters, no conflicts (2 of 4 stars). 2 submissions from 2 submitters: Pathogenic (2). Last evaluated 2023-05-15.

Conditions:
Bethlem myopathy 1A. Also called: Bethlem myopathy 1; Bethlem Muscular Dystrophy; MYOPATHY, BENIGN CONGENITAL, WITH CONTRACTURES. Identifiers: Orphanet 610, MedGen CN029274, MONDO:0024530, OMIM 158810.
COL6A2-related disorder.

Submissions (2):

Greenwood Genetic Center Diagnostic Laboratories, Greenwood Genetic Center
Classification: Pathogenic for COL6A2-related disorder. Last evaluated: 2023-05-15. Review status: criteria provided, single submitter. Criteria: ACMG Guidelines, 2015. Collection method: clinical testing. Allele origin: germline. Affected: yes.
Comment: PP3_Strong, PS2, PM1, PM2

Labcorp Genetics (formerly Invitae), Labcorp
Classification: Pathogenic for Bethlem myopathy 1A. Last evaluated: 2022-03-11. Review status: criteria provided, single submitter. Criteria: Invitae Variant Classification Sherloc (09022015). Collection method: clinical testing. Allele origin: germline.
Comment: This sequence change affects a splice site in intron 9 of the COL6A2 gene. It is expected to disrupt RNA splicing. Variants that disrupt the donor or acceptor splice site typically lead to a loss of protein function (PMID: 16199547), and loss-of-function variants in COL6A2 are known to be disease-causing for autosomal recessive COL6A2 conditions (PMID: 21280092, 20976770). However, certain variants affecting donor or acceptor splice sites in the triple helical domain of COL6A2 are expected to result in in-frame exon skipping and have been reported to cause autosomal dominant COL6A2-related conditions (PMID: 18366090). This variant is not present in population databases (gnomAD no frequency). Disruption of this splice site has been observed in individual(s) with clinical features of type VI collagenopathy (PMID: 29172004). In at least one individual the variant was observed to be de novo. ClinVar contains an entry for this variant (Variation ID: 962403). Algorithms developed to predict the effect of sequence changes on RNA splicing suggest that this variant may disrupt the consensus splice site. For these reasons, this variant has been classified as Pathogenic.

Literature cited by the submitters: PubMed 16199547 (cited by Labcorp Genetics (formerly Invitae), Labcorp); PubMed 21280092 (cited by Labcorp Genetics (formerly Invitae), Labcorp); PubMed 20976770 (cited by Labcorp Genetics (formerly Invitae), Labcorp); PubMed 18366090 (cited by Labcorp Genetics (formerly Invitae), Labcorp); PubMed 29172004 (cited by Labcorp Genetics (formerly Invitae), Labcorp).